The following is an entry in ClinVar:

ClinVar aggregate classification (germline): Pathogenic (1 of 4 stars; one submission).

Conditions:
Autosomal recessive limb-girdle muscular dystrophy type 2A (LGMDR1). Also called: Calpainopathy; Muscular dystrophy, limb-girdle, type 2A, Amish; LEYDEN-MOEBIUS MUSCULAR DYSTROPHY; MUSCULAR DYSTROPHY, PELVOFEMORAL; Limb-girdle muscular dystrophy, type 2A. Identifiers: Orphanet 267, MedGen C1869123, MONDO:0009675, OMIM 253600. Disease mechanism: loss of function.

Submission:

Labcorp Genetics (formerly Invitae), Labcorp
Classification: Pathogenic for Autosomal recessive limb-girdle muscular dystrophy type 2A. Last evaluated: 2022-05-04. Review status: criteria provided, single submitter. Criteria: Invitae Variant Classification Sherloc (09022015). Collection method: clinical testing. Allele origin: germline.
Comment: For these reasons, this variant has been classified as Pathogenic. This variant has not been reported in the literature in individuals affected with CAPN3-related conditions. This variant is not present in population databases (gnomAD no frequency). This sequence change creates a premature translational stop signal (p.Gln518*) in the CAPN3 gene. It is expected to result in an absent or disrupted protein product. Loss-of-function variants in CAPN3 are known to be pathogenic (PMID: 10330340, 15689361).

Literature cited by the submitters: PubMed 10330340; PubMed 15689361.

NM_000070.3(CAPN3):c.1552C>T (p.Gln518Ter)

Gene: CAPN3 (calpain 3; plus strand). Cytogenetic location: 15q15.1.
Variant type: single nucleotide variant.
Coding change: c.1552C>T on transcript NM_000070.3 (MANE Select); coding-DNA position 1552, C replaced by T.
Protein change: p.Gln518Ter; replaces glutamine 518 with a stop codon.
Molecular consequence: nonsense.
Genome position (GRCh38, 1-based): chr15:42,402,809, C>T. VCF-style: chr15-42402809-C-T. GRCh37 (hg19) VCF-style: chr15-42695007-C-T.
Other names: c.1552C>T, p.Gln518Ter (NM_024344.2); c.1408C>T, p.Gln470Ter (NM_173087.2); c.16C>T, p.Gln6Ter (NM_173088.2); c.*668C>T (NM_212464.2); c.*1245C>T (NM_212467.2); short protein forms Q470*, Q518*, Q6*.
Identifiers: ClinVar variation 2133426 (VCV002133426.4), dbSNP rs2548279192, ClinGen allele CA392000104.